The following is an entry in ClinVar:

NM_001353788.2(APBA2):c.1070-9C>T

Gene: APBA2 (amyloid beta precursor protein binding family A member 2; plus strand). Cytogenetic location: 15q13.1.
Variant type: single nucleotide variant.
Coding change: c.1070-9C>T on transcript NM_001353788.2 (MANE Select); 9 bases into the intron before coding-DNA position 1070, C replaced by T.
Molecular consequence: intron variant.
Genome position (GRCh38, 1-based): chr15:29,093,066, C>T. VCF-style: chr15-29093066-C-T. GRCh37 (hg19) VCF-style: chr15-29385269-C-T.
Other names: c.1070-9C>T (NM_001379685.1, NM_001353790.2, NM_001353792.2 and 7 more transcripts); c.182-9C>T (NM_001353796.2, NM_001353797.2).
Identifiers: ClinVar variation 3047710 (VCV003047710.2), dbSNP rs184776473, ClinGen allele CA7445288.

ClinVar aggregate classification (germline): Likely benign (0 of 4 stars; one submission).

Conditions:
APBA2-related disorder. Also called: APBA2-related condition.

Allele frequency attached by ClinVar (database versions not stated): gnomAD exomes 0.00007; ExAC 0.00012; ESP Exome Variant Server 0.00023; gnomAD 0.00035; TOPMed 0.00039; 1000 Genomes Project 30x 0.00047; 1000 Genomes Project 0.00060.
gnomAD v4.1: 159 of 1,614,194 alleles (0.0099%); highest among the groups gnomAD compares: African/African-American, 0.1%; no homozygotes.

Submission:

PreventionGenetics, part of Exact Sciences
Classification: Likely benign for APBA2-related condition. Last evaluated: 2019-03-25. Review status: no assertion criteria provided. Collection method: clinical testing. Allele origin: germline.
Comment: This variant is classified as likely benign based on ACMG/AMP sequence variant interpretation guidelines (Richards et al. 2015 PMID: 25741868, with internal and published modifications).